The following is an entry in ClinVar:

NM_021971.4(GMPPB):c.211-1G>A

Genes: GMPPB (GDP-mannose pyrophosphorylase B; minus strand), LOC129936764 (ATAC-STARR-seq lymphoblastoid active region 19874; plus strand). Cytogenetic location: 3p21.31.
Variant type: single nucleotide variant.
Coding change: c.211-1G>A on transcript NM_021971.4 (MANE Select); the canonical splice acceptor site of the intron before coding-DNA position 211, G replaced by A.
Molecular consequence: splice acceptor variant.
Genome position (GRCh38, 1-based): chr3:49,723,303, C>T on the plus strand (G>A on the coding strand, the complement: GMPPB is on the minus strand). VCF-style: chr3-49723303-C-T. GRCh37 (hg19) VCF-style: chr3-49760736-C-T.
Other names: c.211-1G>A (NM_013334.4).
Identifiers: ClinVar variation 3384377 (VCV003384377.3).
Genomic context (GRCh38, chr3:49,723,303, plus strand): 5'-CCTCTACTGACCTGTCCCCAAAGGCTCCTCTTCATGGGACATGGAGATTCGGATTCCCAG[C>T]TGGAAGGAAGAGGCCCCCCCAGTCAGGTTCTACCAGGATGGGAAGTTGGGCGGGGACCGA-3'

ClinVar aggregate classification (germline): Pathogenic/Likely pathogenic. Review status: criteria provided, multiple submitters, no conflicts (2 of 4 stars). 3 submissions from 3 submitters: Pathogenic (2); Likely pathogenic (1). Last evaluated 2026-08-01.

Conditions:
Muscular dystrophy-dystroglycanopathy (congenital with brain and eye anomalies), type A14. Also called: Muscular dystrophy-dystroglycanopathy (congenital with brain and eye anomalies), type a, 14; WALKER-WARBURG SYNDROME OR MUSCLE-EYE-BRAIN DISEASE, GMPPB-RELATED; Congenital Muscular Dystrophy-Dystroglycanopathy with Brain and Eye Anomalies Type A 14; Congenital muscular dystrophy-dystroglycanopathy with brain and eye anomalies, type A14. Identifiers: Orphanet 588, MedGen C3809216, MONDO:0014140, OMIM 615350.
Muscular dystrophy-dystroglycanopathy (congenital with impaired intellectual development), type B, 14. Also called: MUSCULAR DYSTROPHY, CONGENITAL, GMPPB-RELATED; Congenital muscular dystrophy-dystroglycanopathy with mental retardation, type B14; Muscular dystrophy-dystroglycanopathy (congenital with intellectual disability), type B14. Identifiers: MedGen C3809221, MONDO:0014141, OMIM 615351.
Autosomal recessive limb-girdle muscular dystrophy type 2T. Also called: MUSCULAR DYSTROPHY, LIMB-GIRDLE, TYPE 2T; Muscular dystrophy-dystroglycanopathy (limb-girdle), type c, 14; MUSCULAR DYSTROPHY-DYSTROGLYCANOPATHY, LIMB-GIRDLE, GMPPB-RELATED; Limb-girdle muscular dystrophy-dystroglycanopathy, type C14. Identifiers: Orphanet 363623, MedGen C4518000, MONDO:0014142, OMIM 615352.

Submissions (3):

CeGaT Center for Human Genetics Tuebingen
Classification: Pathogenic. Last evaluated: 2026-08-01. Review status: criteria provided, single submitter. Criteria: CeGaT Center For Human Genetics Tuebingen Variant Classification Criteria Version 2. Collection method: clinical testing. Allele origin: germline. Affected: yes. Observed: 1 variant allele.
Comment: GMPPB: PVS1, PM2

Labcorp Genetics (formerly Invitae), Labcorp
Classification: Likely pathogenic for Autosomal recessive limb-girdle muscular dystrophy type 2T; Muscular dystrophy-dystroglycanopathy (congenital with brain and eye anomalies), type A14; Muscular dystrophy-dystroglycanopathy (congenital with impaired intellectual development), type B, 14. Last evaluated: 2025-11-12. Review status: criteria provided, single submitter. Criteria: Invitae Variant Classification Sherloc (09022015). Collection method: clinical testing. Allele origin: germline.
Comment: This sequence change affects an acceptor splice site in intron 2 of the GMPPB gene. It is expected to disrupt RNA splicing. Variants that disrupt the donor or acceptor splice site typically lead to a loss of protein function (PMID: 16199547), and loss-of-function variants in GMPPB are known to be pathogenic (PMID: 23768512, 26310427). This variant is not present in population databases (gnomAD no frequency). This variant has not been reported in the literature in individuals affected with GMPPB-related conditions. ClinVar contains an entry for this variant (Variation ID: 3384377). Algorithms developed to predict the effect of sequence changes on RNA splicing suggest that this variant may disrupt the consensus splice site. In summary, the currently available evidence indicates that the variant is pathogenic, but additional data are needed to prove that conclusively. Therefore, this variant has been classified as Likely Pathogenic.

GeneDx
Classification: Pathogenic. Last evaluated: 2024-06-05. Review status: criteria provided, single submitter. Criteria: GeneDx Variant Classification Process June 2021. Collection method: clinical testing. Allele origin: germline. Affected: yes.
Comment: Canonical splice site variant predicted to result in a null allele in a gene for which loss of function is a known mechanism of disease; Not observed at significant frequency in large population cohorts (gnomAD); Has not been previously published as pathogenic or benign to our knowledge

Literature cited by the submitters: PubMed 16199547 (cited by Labcorp Genetics (formerly Invitae), Labcorp); PubMed 23768512 (cited by Labcorp Genetics (formerly Invitae), Labcorp); PubMed 26310427 (cited by Labcorp Genetics (formerly Invitae), Labcorp).